The following is an entry in ClinVar:

ClinVar aggregate classification (germline): Pathogenic/Likely pathogenic. Review status: criteria provided, multiple submitters, no conflicts (2 of 4 stars). 4 submissions from 4 submitters: Pathogenic (3); Likely pathogenic (1). Last evaluated 2026-06-03.

Conditions:
Hereditary lymphedema type I (LMPHM1). Also called: LYMPHATIC MALFORMATION 1; Milroy Disease; Nonne-Milroy disease; Congenital hereditary lymphedema; Early onset lymphedema; Hereditary lymphedema 1. Identifiers: Orphanet 79452, MedGen C1704423, MONDO:0007919, OMIM 153100.

Allele frequency attached by ClinVar (database versions not stated): gnomAD exomes below 0.00001.
gnomAD v4.1: 1 of 1,613,882 alleles (0.000062%); highest among the groups gnomAD compares: Non-Finnish European, 0.000085%; no homozygotes.

Submissions (4):

Victorian Clinical Genetics Services, Murdoch Childrens Research Institute
Classification: Pathogenic for Hereditary lymphedema type I. Last evaluated: 2026-06-03. Review status: criteria provided, single submitter. Criteria: ACMG Guidelines, 2015. Collection method: clinical testing. Allele origin: germline. Affected: yes.
Comment: This variant is classified as Pathogenic. Evidence in support of pathogenic classification: Variant is present in gnomAD <0.001 for a dominant condition (v4: 1 heterozygote(s), 0 homozygote(s)); This variant has strong previous evidence of pathogenicity in unrelated individuals. This variant has been classified as likely pathogenic and pathogenic by clinical laboratories in ClinVar. It has also been reported in the literature in several individuals with Milroy disease and lower limb oedema, where the variant was confirmed as de novo (PMID: 17250670), inherited (PMID: 41328432) or had unknown inheritance (PMID: 34681005); Variant is located in a hotspot region or cluster of PATHOGENIC variants (DECIPHER); Missense variant predicted to be damaging by in silico tool(s) or highly conserved with a major amino acid change. Additional information: Variant is predicted to result in a missense amino acid change from Arg to Gln; This variant is heterozygous; This gene is associated with autosomal dominant disease; Dominant negative and loss of function are known mechanisms of disease in this gene and are associated with lymphatic malformation 1 (MIM#153100) and congenital heart defects, multiple types 7 (MIM#618780), respectively (PMIDs: 20301417, 30232381). - The condition associated with this gene has incomplete penetrance. Incomplete penetrance has been reported for both phenotypes associated with this gene (PMIDs: 30232381, 30582441, 20301417). - Variants in this gene are known to have variable expressivity. Both interfamilial and intrafamilial variable expressivity have been reported for lymphatic malformation associated with this gene (PMID: 20301417).

3billion
Classification: Pathogenic for Hereditary lymphedema type I. Last evaluated: 2025-11-13. Review status: criteria provided, single submitter. Criteria: ACMG Guidelines, 2015. Collection method: clinical testing. Allele origin: germline. Affected: yes.
Comment: The variant is observed at an extremely low frequency in the gnomAD v4.1.0 dataset (total allele frequency: <0.001%). Predicted Consequence/Location: Missense variant In silico tool predictions suggest damaging effect of the variant on gene or gene product [REVEL: 0.87 (>=0.6, sensitivity 0.68 and specificity 0.92); 3Cnet: 0.87 (> 0.75, sensitivity 0.96 and precision 0.92)]. The same nucleotide change resulting in the same amino acid change has been previously reported as pathogenic/likely pathogenic with strong evidence (ClinVar ID: VCV001712154 /PMID: 12960217). The variant has been observed in multiple (>3) similarly affected unrelated individuals (PMID: 23074044). Different missense changes at the same codon (p.Arg1041Gly, p.Arg1041Pro, p.Arg1041Trp) have been reported as pathogenic/likely pathogenic with strong evidence (ClinVar ID: VCV000016260, VCV000692043 /PMID: 10835628, 12960217, 24167460). Therefore, this variant is classified as Pathogenic according to the recommendation of ACMG/AMP guideline.

GeneDx
Classification: Pathogenic. Last evaluated: 2023-09-14. Review status: criteria provided, single submitter. Criteria: GeneDx Variant Classification Process June 2021. Collection method: clinical testing. Allele origin: germline. Affected: yes.
Comment: In silico analysis supports that this missense variant has a deleterious effect on protein structure/function; Not observed at significant frequency in large population cohorts (gnomAD); This variant is associated with the following publications: (PMID: 23074044, 19002718, 17250670, 12960217, 34681005, 10835628, 11114740)

Neuberg Centre For Genomic Medicine, NCGM
Classification: Likely pathogenic for Hereditary lymphedema type I. Review status: criteria provided, single submitter. Criteria: ACMG Guidelines, 2015. Collection method: clinical testing. Allele origin: germline. Inheritance: Autosomal dominant inheritance. Affected: yes.
Comment: The FLT4 c.3122G>A (p.Arg1041Gln) variant has been reported in individuals affected with Milroy Disease (Carver et al., 2007; Gordon et al., 2013). The p.Arg1041Gln variant is novel (not in any individuals) in gnomAD Exomes and 1000 Genomes. This variant has not been reported to the ClinVar database. The amino acid Arg at position 1041 is changed to a Gln changing protein sequence and it might alter its composition and physico-chemical properties. The variant is predicted to be damaging by both SIFT and PolyPhen2. The residue is conserved across species. The amino acid change p.Arg1041Gln in FLT4 is predicted as conserved by GERP++ and PhyloP across 100 vertebrates. For these reasons, this variant has been classified as Likely Pathogenic.

Literature cited by the submitters: PubMed 41328432 (cited by Victorian Clinical Genetics Services, Murdoch Childrens Research Institute); PubMed 20301417 (cited by Victorian Clinical Genetics Services, Murdoch Childrens Research Institute); PubMed 30232381 (cited by Victorian Clinical Genetics Services, Murdoch Childrens Research Institute); PubMed 34681005 (cited by Victorian Clinical Genetics Services, Murdoch Childrens Research Institute); PubMed 30582441 (cited by Victorian Clinical Genetics Services, Murdoch Childrens Research Institute); PubMed 17250670 (cited by Victorian Clinical Genetics Services, Murdoch Childrens Research Institute); PubMed 23074044 (cited by 3billion); PubMed 10835628 (cited by 3billion); PubMed 12960217 (cited by 3billion).

NM_182925.5(FLT4):c.3122G>A (p.Arg1041Gln)

Gene: FLT4 (fms related receptor tyrosine kinase 4; minus strand). Cytogenetic location: 5q35.3.
Variant type: single nucleotide variant.
Coding change: c.3122G>A on transcript NM_182925.5 (MANE Select); coding-DNA position 3122, G replaced by A.
Protein change: p.Arg1041Gln; replaces arginine 1041 with glutamine.
Molecular consequence: missense variant.
Genome position (GRCh38, 1-based): chr5:180,616,464, C>T on the plus strand (G>A on the coding strand, the complement: FLT4 is on the minus strand). VCF-style: chr5-180616464-C-T. GRCh37 (hg19) VCF-style: chr5-180043464-C-T.
Other names: c.3122G>A, p.Arg1041Gln (NM_001354989.2, NM_002020.5); short protein forms R1041Q.
Identifiers: ClinVar variation 1712154 (VCV001712154.7), dbSNP rs121909650, ClinGen allele CA362500581.
Genomic context (GRCh38, chr5:180,616,464, plus strand): 5'-TCCCGGGCAAGGCCAAAGTCACAGATCTTCACCACGTCGCTTTCCGACAGCAGAATGTTC[C>T]GAGCAGCCAGGTCTCTGTGGATGCACTGGGGTGCGGGGAGGCGGCAGGGGGGCTGTCAGT-3'
Protein context (NP_891555.2, residues 1031-1051): RKCIHRDLAA[Arg1041Gln]NILLSESDVV